The following is an entry in ClinVar:

ClinVar aggregate classification (germline): Uncertain significance (1 of 4 stars; one submission).

Conditions:
ADCY3-related disorder. Also called: ADCY3-related condition.

Submission:

PreventionGenetics, part of Exact Sciences
Classification: Uncertain significance for ADCY3-related condition. Last evaluated: 2025-12-11. Review status: criteria provided, single submitter. Criteria: ACMG Guidelines, 2015. Collection method: clinical testing. Allele origin: germline.
Comment: The ADCY3 c.2173-31_2173-3del29 variant is predicted to result in an intronic deletion. This variant is predicted to impact splicing based on a splicing prediction program (SpliceAI, Jaganathan K, et al. 2019. PubMed ID: 30661751). However, the use of computer prediction programs is not equivalent to functional evidence. To our knowledge, this variant has not been reported in the literature or in a large population database (gnomAD), indicating this variant is rare. At this time, the clinical significance of this variant is uncertain due to the absence of conclusive functional and genetic evidence.

NM_004036.5(ADCY3):c.2173-31_2173-3del

Gene: ADCY3 (adenylate cyclase 3; minus strand). Cytogenetic location: 2p23.3.
Variant type: Deletion.
Coding change: c.2173-31_2173-3del on transcript NM_004036.5 (MANE Select); 31 bases into the intron before coding-DNA position 2173 through 3 bases into the intron before coding-DNA position 2173, 29 bases deleted (GTGTGTCCCTGCCCGCCGTCCTGGCCTCC).
Molecular consequence: intron variant.
Genome position (GRCh38, 1-based): chr2:24,828,164-24,828,192, GGAGGCCAGGACGGCGGGCAGGGACACAC deleted on the plus strand (GTGTGTCCCTGCCCGCCGTCCTGGCCTCC on the coding strand, the reverse complement: ADCY3 is on the minus strand); deleting any 29 consecutive bases within chr2:24,828,164-24,828,193 gives the same sequence; the c. name uses the placement nearest the transcript's 3' end. VCF-style (leftmost placement, unchanged base first): chr2-24828163-TGGAGGCCAGGACGGCGGGCAGGGACACAC-T. GRCh37 (hg19) VCF-style: chr2-25051032-TGGAGGCCAGGACGGCGGGCAGGGACACAC-T.
Other names: c.2172+2517_2172+2545del (NM_001377130.1); c.2173-169_2173-141del (NM_001377129.1); c.2173-31_2173-3del (NM_001320613.2, NM_001377132.1); c.2239-31_2239-3del (NM_001377128.1); c.1450-31_1450-3del (NM_001377131.1).
Identifiers: ClinVar variation 4989507 (VCV004989507.1).